The following is an entry in ClinVar:

NM_014413.4(EIF2AK1):c.25C>T (p.Arg9Cys)

Genes: EIF2AK1 (eukaryotic translation initiation factor 2 alpha kinase 1; minus strand), LOC129997920 (ATAC-STARR-seq lymphoblastoid silent region 17933; plus strand). Cytogenetic location: 7p22.1.
Variant type: single nucleotide variant.
Coding change: c.25C>T on transcript NM_014413.4 (MANE Select); coding-DNA position 25, C replaced by T.
Protein change: p.Arg9Cys; replaces arginine 9 with cysteine.
Molecular consequence: missense variant.
Genome position (GRCh38, 1-based): chr7:6,059,059, G>A on the plus strand (C>T on the coding strand, the complement: EIF2AK1 is on the minus strand). VCF-style: chr7-6059059-G-A. GRCh37 (hg19) VCF-style: chr7-6098690-G-A.
Other names: c.25C>T, p.Arg9Cys (NM_001134335.2); short protein forms R9C.
Identifiers: ClinVar variation 3674087 (VCV003674087.2).

ClinVar aggregate classification (germline): Uncertain significance (1 of 4 stars; one submission).

gnomAD v4.1: 8 of 1,484,892 alleles (0.00054%); highest among the groups gnomAD compares: Non-Finnish European, 0.00071%; no homozygotes.

Submission:

Labcorp Genetics (formerly Invitae), Labcorp
Classification: Uncertain significance. Last evaluated: 2024-10-27. Review status: criteria provided, single submitter. Criteria: Invitae Variant Classification Sherloc (09022015). Collection method: clinical testing. Allele origin: germline.
Comment: This sequence change replaces arginine, which is basic and polar, with cysteine, which is neutral and slightly polar, at codon 9 of the EIF2AK1 protein (p.Arg9Cys). This variant is not present in population databases (gnomAD no frequency). This variant has not been reported in the literature in individuals affected with EIF2AK1-related conditions. An algorithm developed to predict the effect of missense changes on protein structure and function (PolyPhen-2) suggests that this variant is likely to be disruptive. In summary, the available evidence is currently insufficient to determine the role of this variant in disease. Therefore, it has been classified as a Variant of Uncertain Significance.